The following is an entry in ClinVar:

NM_001909.5(CTSD):c.180A>G (p.Pro60=)

Genes: PRADX (PRC2 and DDX5 associated lncRNA; plus strand), CTSD (cathepsin D; minus strand). Cytogenetic location: 11p15.5.
Variant type: single nucleotide variant.
Coding change: c.180A>G on transcript NM_001909.5 (MANE Select); coding-DNA position 180, A replaced by G.
Protein change: p.Pro60=; no amino-acid change (proline 60 retained).
Molecular consequence: synonymous variant.
Genome position (GRCh38, 1-based): chr11:1,761,357, T>C on the plus strand (A>G on the coding strand, the complement: CTSD is on the minus strand). VCF-style: chr11-1761357-T-C. GRCh37 (hg19) VCF-style: chr11-1782587-T-C.
Identifiers: ClinVar variation 415716 (VCV000415716.15), dbSNP rs749805002, ClinGen allele CA16613274.
Genomic context (GRCh38, chr11:1,761,357, plus strand): 5'-CCTCATACTCACGTCCATGTAGTTCTTGAGCACCTCGGGAATGGGCCCCTCGGTCACGGC[T>C]GGCACCGCCTGGGAGTACTTTGAGACGGGGCCTTTGGCAATCAGGTCCTCCACAGAGCCC-3'
Protein context (NP_001900.1, residues 50-70): GPVSKYSQAV[Pro60=]AVTEGPIPEV

ClinVar aggregate classification (germline): Likely benign. Review status: criteria provided, multiple submitters, no conflicts (2 of 4 stars). 3 submissions from 3 submitters: Likely benign (2). 1 of the submissions does not count toward it. Last evaluated 2025-12-19.

Conditions:
CTSD-related disorder. Also called: CTSD-related condition.
Inborn genetic diseases. Identifiers: MedGen C0950123, MeSH D030342.
Neuronal ceroid lipofuscinosis. Also called: Neuronal Ceroid Lipofuscinoses. Identifiers: Orphanet 216, Orphanet 79263, MedGen C0027877, MONDO:0016295. Disease mechanism: loss of function.

Allele frequency attached by ClinVar (database versions not stated): TOPMed 0.00001.

Submissions (3):

Labcorp Genetics (formerly Invitae), Labcorp
Classification: Likely benign for Neuronal ceroid lipofuscinosis. Last evaluated: 2025-12-19. Review status: criteria provided, single submitter. Criteria: Invitae Variant Classification Sherloc (09022015). Collection method: clinical testing. Allele origin: germline.

Ambry Genetics
Classification: Likely benign for Inborn genetic diseases. Last evaluated: 2017-05-02. Review status: criteria provided, single submitter. Criteria: Ambry Variant Classification Scheme 2023. Collection method: clinical testing. Allele origin: germline.

PreventionGenetics, part of Exact Sciences
Classification: Likely benign for CTSD-related condition. Last evaluated: 2019-03-28. Review status: no assertion criteria provided. Collection method: clinical testing. Allele origin: germline. Not counted in ClinVar's aggregate classification.
Comment: This variant is classified as likely benign based on ACMG/AMP sequence variant interpretation guidelines (Richards et al. 2015 PMID: 25741868, with internal and published modifications).